The following is an entry in ClinVar:

ClinVar aggregate classification (germline): Uncertain significance (1 of 4 stars; one submission).

Conditions:
Cowden syndrome 6 (CWS6). Identifiers: Orphanet 201, MedGen C3554519, MONDO:0014048, OMIM 615109.

Submission:

Labcorp Genetics (formerly Invitae), Labcorp
Classification: Uncertain significance for Cowden syndrome 6. Last evaluated: 2026-01-20. Review status: criteria provided, single submitter. Criteria: Invitae Variant Classification Sherloc (09022015). Collection method: clinical testing. Allele origin: germline.
Comment: This sequence change replaces serine, which is neutral and polar, with threonine, which is neutral and polar, at codon 124 of the AKT1 protein (p.Ser124Thr). This variant is not present in population databases (gnomAD no frequency). This variant has not been reported in the literature in individuals affected with AKT1-related conditions. An algorithm developed to predict the effect of missense changes on protein structure and function (PolyPhen-2) suggests that this variant is likely to be tolerated. In summary, the available evidence is currently insufficient to determine the role of this variant in disease. Therefore, it has been classified as a Variant of Uncertain Significance.

NM_001382430.1(AKT1):c.370T>A (p.Ser124Thr)

Gene: AKT1 (AKT serine/threonine kinase 1; minus strand). Cytogenetic location: 14q32.33.
Variant type: single nucleotide variant.
Coding change: c.370T>A on transcript NM_001382430.1 (MANE Select); coding-DNA position 370, T replaced by A.
Protein change: p.Ser124Thr; replaces serine 124 with threonine.
Molecular consequence: missense variant.
Genome position (GRCh38, 1-based): chr14:104,775,717, A>T on the plus strand (T>A on the coding strand, the complement: AKT1 is on the minus strand). VCF-style: chr14-104775717-A-T. GRCh37 (hg19) VCF-style: chr14-105242054-A-T.
Other names: c.370T>A, p.Ser124Thr (NM_001014431.2, NM_001014432.2, NM_001382431.1 and 3 more transcripts); short protein forms S124T.
Identifiers: ClinVar variation 4735828 (VCV004735828.1).
Genomic context (GRCh38, chr14:104,775,717, plus strand): 5'-GGTGCTTGGGCTTGGCCAGGGACACCTCCATCTCTTCAGCCCCTGAGTTGTCACTGGGTG[A>T]GCCCGACCGGAAGTCCATCTCCTCCTCCTCCTGCTTCTTGAGGCCGTCAGCCACAGTCTG-3'
Protein context (NP_001369359.1, residues 114-134): EEEEMDFRSG[Ser124Thr]PSDNSGAEEM